The following is an entry in ClinVar:

NM_001080512.3(BICC1):c.707A>C (p.Asn236Thr)

Gene: BICC1 (BicC family RNA binding protein 1; plus strand). Cytogenetic location: 10q21.1.
Variant type: single nucleotide variant.
Coding change: c.707A>C on transcript NM_001080512.3 (MANE Select); coding-DNA position 707, A replaced by C.
Protein change: p.Asn236Thr; replaces asparagine 236 with threonine.
Molecular consequence: missense variant.
Genome position (GRCh38, 1-based): chr10:58,789,368, A>C. VCF-style: chr10-58789368-A-C. GRCh37 (hg19) VCF-style: chr10-60549128-A-C.
Other names: short protein forms N236T.
Identifiers: ClinVar variation 2019353 (VCV002019353.4), dbSNP rs532086549, ClinGen allele CA376969030.

ClinVar aggregate classification (germline): Uncertain significance (1 of 4 stars; one submission).

Submission:

Labcorp Genetics (formerly Invitae), Labcorp
Classification: Uncertain significance. Last evaluated: 2025-04-21. Review status: criteria provided, single submitter. Criteria: Invitae Variant Classification Sherloc (09022015). Collection method: clinical testing. Allele origin: germline.
Comment: This sequence change replaces asparagine, which is neutral and polar, with threonine, which is neutral and polar, at codon 236 of the BICC1 protein (p.Asn236Thr). This variant is not present in population databases (gnomAD no frequency). This variant has not been reported in the literature in individuals affected with BICC1-related conditions. ClinVar contains an entry for this variant (Variation ID: 2019353). An algorithm developed to predict the effect of missense changes on protein structure and function (PolyPhen-2) suggests that this variant is likely to be tolerated. In summary, the available evidence is currently insufficient to determine the role of this variant in disease. Therefore, it has been classified as a Variant of Uncertain Significance.